The following is an entry in ClinVar:

NM_000535.7(PMS2):c.1063T>A (p.Leu355Ile)

Gene: PMS2 (PMS1 homolog 2, mismatch repair system component; minus strand). Cytogenetic location: 7p22.1.
Variant type: single nucleotide variant.
Coding change: c.1063T>A on transcript NM_000535.7 (MANE Select); coding-DNA position 1063, T replaced by A.
Protein change: p.Leu355Ile; replaces leucine 355 with isoleucine.
Molecular consequence: missense variant. On other transcripts: non-coding transcript variant (1), intron variant (2).
Genome position (GRCh38, 1-based): chr7:5,989,881, A>T on the plus strand (T>A on the coding strand, the complement: PMS2 is on the minus strand). VCF-style: chr7-5989881-A-T. GRCh37 (hg19) VCF-style: chr7-6029512-A-T.
Other names: c.658T>A, p.Leu220Ile (NM_001322003.2, NM_001322004.2, NM_001322005.2 and 1 more transcripts); c.745T>A, p.Leu249Ile (NM_001322007.2, NM_001322008.2); c.130T>A, p.Leu44Ile (NM_001322011.2, NM_001322012.2); c.490T>A, p.Leu164Ile (NM_001322013.2); c.1063T>A, p.Leu355Ile (NM_001322014.2); c.754T>A, p.Leu252Ile (NM_001322015.2); c.583+2092T>A (NM_001322010.2); c.988+2092T>A (NM_001322006.2); short protein forms L355I, L164I, L252I, L44I, L220I, L249I.
Identifiers: ClinVar variation 926642 (VCV000926642.12), dbSNP rs1783533003, ClinGen allele CA366742888.

ClinVar aggregate classification (germline): Uncertain significance. Review status: criteria provided, multiple submitters, no conflicts (2 of 4 stars). 2 submissions from 2 submitters: Uncertain significance (2). Last evaluated 2025-08-10.

Conditions:
Hereditary nonpolyposis colorectal neoplasms. Identifiers: MedGen C0009405, MeSH D003123.
Hereditary cancer-predisposing syndrome. Also called: Neoplastic Syndromes, Hereditary; Tumor predisposition; Hereditary Cancer Syndrome; Hereditary neoplastic syndrome. Identifiers: Orphanet 140162, MedGen C0027672, MeSH D009386, MONDO:0015356.

Submissions (2):

Labcorp Genetics (formerly Invitae), Labcorp
Classification: Uncertain significance for Hereditary nonpolyposis colorectal neoplasms. Last evaluated: 2025-08-10. Review status: criteria provided, single submitter. Criteria: Invitae Variant Classification Sherloc (09022015). Collection method: clinical testing. Allele origin: germline.
Comment: This sequence change replaces leucine, which is neutral and non-polar, with isoleucine, which is neutral and non-polar, at codon 355 of the PMS2 protein (p.Leu355Ile). This variant is not present in population databases (gnomAD no frequency). This variant has not been reported in the literature in individuals affected with PMS2-related conditions. ClinVar contains an entry for this variant (Variation ID: 926642). Invitae Evidence Modeling incorporating data from in vitro experimental studies (internal data) indicates that this missense variant is not expected to disrupt PMS2 function with a negative predictive value of 95%. In summary, the available evidence is currently insufficient to determine the role of this variant in disease. Therefore, it has been classified as a Variant of Uncertain Significance.

Color Diagnostics, LLC DBA Color Health
Classification: Uncertain significance for Hereditary cancer-predisposing syndrome. Last evaluated: 2024-03-06. Review status: criteria provided, single submitter. Criteria: ACMG Guidelines, 2015. Collection method: clinical testing. Allele origin: germline.
Comment: This missense variant replaces leucine with isoleucine at codon 355 of the PMS2 protein. Computational prediction suggests that this variant may not impact protein structure and function (internally defined REVEL score threshold <= 0.5, PMID: 27666373). Splice site prediction tools suggest that this variant may not impact RNA splicing. To our knowledge, functional studies have not been performed for this variant. This variant has not been reported in individuals affected with hereditary cancer in the literature. This variant has not been identified in the general population by the Genome Aggregation Database (gnomAD). The available evidence is insufficient to determine the role of this variant in disease conclusively. Therefore, this variant is classified as a Variant of Uncertain Significance.